The following is an entry in ClinVar:

ClinVar aggregate classification (germline): Uncertain significance (1 of 4 stars; one submission).

gnomAD v4.1: 1 of 1,613,876 alleles (0.000062%); highest among the groups gnomAD compares: Admixed American, 0.0017%; no homozygotes.

Submission:

Labcorp Genetics (formerly Invitae), Labcorp
Classification: Uncertain significance. Last evaluated: 2024-11-19. Review status: criteria provided, single submitter. Criteria: Invitae Variant Classification Sherloc (09022015). Collection method: clinical testing. Allele origin: germline.
Comment: This sequence change replaces glutamine, which is neutral and polar, with leucine, which is neutral and non-polar, at codon 1659 of the RTTN protein (p.Gln1659Leu). This variant is present in population databases (no rsID available, gnomAD 0.003%). This variant has not been reported in the literature in individuals affected with RTTN-related conditions. Invitae Evidence Modeling of protein sequence and biophysical properties (such as structural, functional, and spatial information, amino acid conservation, physicochemical variation, residue mobility, and thermodynamic stability) indicates that this missense variant is not expected to disrupt RTTN protein function with a negative predictive value of 80%. In summary, the available evidence is currently insufficient to determine the role of this variant in disease. Therefore, it has been classified as a Variant of Uncertain Significance.

NM_173630.4(RTTN):c.4976A>T (p.Gln1659Leu)

Gene: RTTN (rotatin; minus strand). Cytogenetic location: 18q22.2.
Variant type: single nucleotide variant.
Coding change: c.4976A>T on transcript NM_173630.4 (MANE Select); coding-DNA position 4976, A replaced by T.
Protein change: p.Gln1659Leu; replaces glutamine 1659 with leucine.
Molecular consequence: missense variant.
Genome position (GRCh38, 1-based): chr18:70,057,797, T>A on the plus strand (A>T on the coding strand, the complement: RTTN is on the minus strand). VCF-style: chr18-70057797-T-A. GRCh37 (hg19) VCF-style: chr18-67725033-T-A.
Other names: c.2240A>T, p.Gln747Leu (NM_001318520.2); short protein forms Q1659L, Q747L.
Identifiers: ClinVar variation 3609698 (VCV003609698.1).